The following is an entry in ClinVar:

ClinVar aggregate classification (germline): Uncertain significance. Review status: criteria provided, multiple submitters, no conflicts (2 of 4 stars). 2 submissions from 2 submitters: Uncertain significance (2). Last evaluated 2023-10-25.

Conditions:
Perry syndrome. Also called: PARKINSONISM WITH ALVEOLAR HYPOVENTILATION AND MENTAL DEPRESSION. Identifiers: Orphanet 178509, MedGen C1868594, MONDO:0008201, OMIM 168605.
Neuronopathy, distal hereditary motor, type 7B. Also called: HMN VIIB; LOWER MOTOR NEURON DISEASE, DYNACTIN TYPE; NEURONOPATHY, DISTAL HEREDITARY MOTOR, HARDING TYPE VIIB; NEUROPATHY, DISTAL HEREDITARY MOTOR, HARDING TYPE VIIB; NEUROPATHY, DISTAL HEREDITARY MOTOR, WITH VOCAL CORD PARALYSIS, HARDING TYPE VIIB; Distal Hereditary Motor Neuronopathy Type 7B (dHMN7B). Identifiers: Orphanet 139589, MedGen C1843315, MONDO:0011879, OMIM 607641.
Amyotrophic lateral sclerosis type 1 (ALS1). Also called: AMYOTROPHIC LATERAL SCLEROSIS 1, FAMILIAL. Identifiers: Orphanet 803, MedGen C1862939, MONDO:0007103, OMIM 105400.
Inborn genetic diseases. Identifiers: MedGen C0950123, MeSH D030342.

Allele frequency attached by ClinVar (database versions not stated): gnomAD exomes below 0.00001; gnomAD 0.00001; TOPMed 0.00001.
gnomAD v4.1: 4 of 1,613,952 alleles (0.00025%); highest among the groups gnomAD compares: Non-Finnish European, 0.00034%; no homozygotes.

Submissions (2):

Ambry Genetics
Classification: Uncertain significance for Inborn genetic diseases. Last evaluated: 2023-10-25. Review status: criteria provided, single submitter. Criteria: Ambry Variant Classification Scheme 2023. Collection method: clinical testing. Allele origin: germline.

Labcorp Genetics (formerly Invitae), Labcorp
Classification: Uncertain significance for Amyotrophic lateral sclerosis type 1; Neuronopathy, distal hereditary motor, type 7B; Perry syndrome. Last evaluated: 2021-04-23. Review status: criteria provided, single submitter. Criteria: Invitae Variant Classification Sherloc (09022015). Collection method: clinical testing. Allele origin: germline.
Comment: This variant has not been reported in the literature in individuals with DCTN1-related conditions. This variant is not present in population databases (ExAC no frequency). This sequence change replaces leucine with isoleucine at codon 391 of the DCTN1 protein (p.Leu391Ile). The leucine residue is highly conserved and there is a small physicochemical difference between leucine and isoleucine. Algorithms developed to predict the effect of missense changes on protein structure and function are either unavailable or do not agree on the potential impact of this missense change (SIFT: "Deleterious"; PolyPhen-2: "Benign"; Align-GVGD: "Class C0"). In summary, the available evidence is currently insufficient to determine the role of this variant in disease. Therefore, it has been classified as a Variant of Uncertain Significance.

NM_004082.5(DCTN1):c.1171C>A (p.Leu391Ile)

Gene: DCTN1 (dynactin subunit 1; minus strand). Cytogenetic location: 2p13.1.
Variant type: single nucleotide variant.
Coding change: c.1171C>A on transcript NM_004082.5 (MANE Select); coding-DNA position 1171, C replaced by A.
Protein change: p.Leu391Ile; replaces leucine 391 with isoleucine.
Molecular consequence: missense variant. On other transcripts: non-coding transcript variant (1).
Genome position (GRCh38, 1-based): chr2:74,370,302, G>T on the plus strand (C>A on the coding strand, the complement: DCTN1 is on the minus strand). VCF-style: chr2-74370302-G-T. GRCh37 (hg19) VCF-style: chr2-74597429-G-T.
Other names: c.1171C>A (NM_004082.4); c.769C>A, p.Leu257Ile (NM_023019.4, NM_001135041.3); c.1111C>A, p.Leu371Ile (NM_001135040.3); c.1060C>A, p.Leu354Ile (NM_001190836.2); c.1150C>A, p.Leu384Ile (NM_001190837.2); c.1120C>A, p.Leu374Ile (NM_001378991.1); c.1102C>A, p.Leu368Ile (NM_001378992.1); short protein forms L257I, L368I, L371I, L354I, L391I, L374I, L384I.
Identifiers: ClinVar variation 1356882 (VCV001356882.9), dbSNP rs1282851211, ClinGen allele CA347361354.
Genomic context (GRCh38, chr2:74,370,302, plus strand): 5'-GCTCCCGCTGTTGCCTCACAACTTCCAGCTCTTGGTTCTTCTTTTCCATGAGCTTCTGGA[G>T]CTTCACATGCTCCTGCTTCTCTGAGGAAGAAAGATCCCGCATCCTGCAGGGATGTGAGGA-3'
Protein context (NP_004073.2, residues 381-401): SSSEKQEHVK[Leu391Ile]QKLMEKKNQE